The following is an entry in ClinVar:

ClinVar aggregate classification (germline): Uncertain significance (1 of 4 stars; one submission).

Conditions:
Hypertrophic cardiomyopathy. Also called: HYPERTROPHIC MYOCARDIOPATHY. Identifiers: Orphanet 217569, MedGen C0007194, MeSH D002312, MONDO:0005045, HP:0001639.

Submission:

Labcorp Genetics (formerly Invitae), Labcorp
Classification: Uncertain significance for Hypertrophic cardiomyopathy. Last evaluated: 2025-08-04. Review status: criteria provided, single submitter. Criteria: Invitae Variant Classification Sherloc (09022015). Collection method: clinical testing. Allele origin: germline.
Comment: This variant, c.330_331insTCCCCT, results in the insertion of 2 amino acid(s) of the MYBPC3 protein (p.Pro110_Ala111insSerPro), but otherwise preserves the integrity of the reading frame. This variant is not present in population databases (gnomAD no frequency). This variant has not been reported in the literature in individuals affected with MYBPC3-related conditions. In summary, the available evidence is currently insufficient to determine the role of this variant in disease. Therefore, it has been classified as a Variant of Uncertain Significance.

NM_000256.3(MYBPC3):c.330_331insTCCCCT (p.Pro110_Ala111insSerPro)

Gene: MYBPC3 (myosin binding protein C3; minus strand). Cytogenetic location: 11p11.2.
Variant type: Insertion.
Coding change: c.330_331insTCCCCT on transcript NM_000256.3 (MANE Select); coding-DNA positions 330 to 331, TCCCCT inserted.
Protein change: p.Pro110_Ala111insSerPro.
Molecular consequence: inframe insertion.
Genome position: GRCh38 VCF-style: chr11-47350577-C-CAGGGGA. GRCh37 (hg19) VCF-style: chr11-47372128-C-CAGGGGA.
Identifiers: ClinVar variation 4724220 (VCV004724220.1).